The following is an entry in ClinVar:

NM_001130823.3(DNMT1):c.2737G>T (p.Ala913Ser)

Gene: DNMT1 (DNA methyltransferase 1; minus strand). Cytogenetic location: 19p13.2.
Variant type: single nucleotide variant.
Coding change: c.2737G>T on transcript NM_001130823.3 (MANE Select); coding-DNA position 2737, G replaced by T.
Protein change: p.Ala913Ser; replaces alanine 913 with serine.
Molecular consequence: missense variant.
Genome position (GRCh38, 1-based): chr19:10,146,508, C>A on the plus strand (G>T on the coding strand, the complement: DNMT1 is on the minus strand). VCF-style: chr19-10146508-C-A. GRCh37 (hg19) VCF-style: chr19-10257184-C-A.
Other names: c.2689G>T, p.Ala897Ser (NM_001318730.2, NM_001379.4); c.2374G>T, p.Ala792Ser (NM_001318731.2); short protein forms A792S, A897S, A913S.
Identifiers: ClinVar variation 1794766 (VCV001794766.2), dbSNP rs2513799182, ClinGen allele CA403976416.
Genomic context (GRCh38, chr19:10,146,508, plus strand): 5'-GGTCCTCGAGCTGCTCCAGGACCCTGGGGATTTCTTTTTGCCTCATCTCAGCCAGACGGG[C>A]ACAGCTCACACAGAATCTGAAGGAAACAAAGGGACAGAAACATAAGGCCCTGAGGTGGCC-3'
Protein context (NP_001124295.1, residues 903-923): DNKFKFCVSC[Ala913Ser]RLAEMRQKEI

ClinVar aggregate classification (germline): Uncertain significance (1 of 4 stars; one submission).

Conditions:
Inborn genetic diseases. Identifiers: MedGen C0950123, MeSH D030342.

Submission:

Ambry Genetics
Classification: Uncertain significance for Inborn genetic diseases. Last evaluated: 2022-02-26. Review status: criteria provided, single submitter. Criteria: Ambry Variant Classification Scheme 2023. Collection method: clinical testing. Allele origin: germline.
Comment: The p.A897S variant (also known as c.2689G>T), located in coding exon 27 of the DNMT1 gene, results from a G to T substitution at nucleotide position 2689. The alanine at codon 897 is replaced by serine, an amino acid with similar properties. This amino acid position is not well conserved in available vertebrate species, and serine is the reference amino acid in other vertebrate species. In addition, this alteration is predicted to be tolerated by in silico analysis. Since supporting evidence is limited at this time, the clinical significance of this alteration remains unclear.